The following is an entry in ClinVar:

NM_005334.3(HCFC1):c.4499C>T (p.Pro1500Leu)

Gene: HCFC1 (host cell factor C1; minus strand). Cytogenetic location: Xq28.
Variant type: single nucleotide variant.
Coding change: c.4499C>T on transcript NM_005334.3 (MANE Select); coding-DNA position 4499, C replaced by T.
Protein change: p.Pro1500Leu; replaces proline 1500 with leucine.
Molecular consequence: missense variant.
Genome position (GRCh38, 1-based): chrX:153,952,957, G>A on the plus strand (C>T on the coding strand, the complement: HCFC1 is on the minus strand). VCF-style: chrX-153952957-G-A. GRCh37 (hg19) VCF-style: chrX-153218408-G-A.
Other names: short protein forms P1500L.
Identifiers: ClinVar variation 1041647 (VCV001041647.9), dbSNP rs1277991321, ClinGen allele CA415113676.

ClinVar aggregate classification (germline): Uncertain significance. Review status: criteria provided, multiple submitters, no conflicts (2 of 4 stars). 3 submissions from 3 submitters: Uncertain significance (3). Last evaluated 2025-05-24.

Conditions:
Methylmalonic acidemia with homocystinuria, type cblX (MAHCX). Also called: INTELLECTUAL DEVELOPMENTAL DISORDER, X-LINKED 3. Identifiers: Orphanet 369962, MedGen C0796208, MONDO:0010657, OMIM 309541.

Allele frequency attached by ClinVar (database versions not stated): TOPMed 0.00002.
gnomAD v4.1: 11 of 1,168,681 alleles (0.00094%); highest among the groups gnomAD compares: Admixed American, 0.005%; no homozygotes.

Submissions (3):

Labcorp Genetics (formerly Invitae), Labcorp
Classification: Uncertain significance for Methylmalonic acidemia with homocystinuria, type cblX. Last evaluated: 2025-05-24. Review status: criteria provided, single submitter. Criteria: Invitae Variant Classification Sherloc (09022015). Collection method: clinical testing. Allele origin: germline.
Comment: This sequence change replaces proline, which is neutral and non-polar, with leucine, which is neutral and non-polar, at codon 1500 of the HCFC1 protein (p.Pro1500Leu). This variant is not present in population databases (gnomAD no frequency). This variant has not been reported in the literature in individuals affected with HCFC1-related conditions. ClinVar contains an entry for this variant (Variation ID: 1041647). An algorithm developed to predict the effect of missense changes on protein structure and function (PolyPhen-2) suggests that this variant is likely to be disruptive. In summary, the available evidence is currently insufficient to determine the role of this variant in disease. Therefore, it has been classified as a Variant of Uncertain Significance.

Laboratorio de Genetica e Diagnostico Molecular, Hospital Israelita Albert Einstein
Classification: Uncertain significance for Methylmalonic acidemia with homocystinuria, type cblX. Last evaluated: 2023-10-19. Review status: criteria provided, single submitter. Criteria: ACMG Guidelines, 2015. Collection method: clinical testing. Allele origin: germline. Affected: yes.
Comment: ACMG classification criteria: PM2 moderate, PP2 supporting, BP4 supporting

Blueprint Genetics
Classification: Uncertain significance. Last evaluated: 2020-12-30. Review status: criteria provided, single submitter. Criteria: ACMG Guidelines, 2015. Collection method: clinical testing. Allele origin: germline.